The following is an entry in ClinVar:

NM_012254.3(SLC27A5):c.235C>T (p.Arg79Trp)

Gene: SLC27A5 (solute carrier family 27 member 5; minus strand). Cytogenetic location: 19q13.43.
Variant type: single nucleotide variant.
Coding change: c.235C>T on transcript NM_012254.3 (MANE Select); coding-DNA position 235, C replaced by T.
Protein change: p.Arg79Trp; replaces arginine 79 with tryptophan.
Molecular consequence: missense variant.
Genome position (GRCh38, 1-based): chr19:58,511,721, G>A on the plus strand (C>T on the coding strand, the complement: SLC27A5 is on the minus strand). VCF-style: chr19-58511721-G-A. GRCh37 (hg19) VCF-style: chr19-59023088-G-A.
Other names: c.235C>T, p.Arg79Trp (NM_001321196.2); short protein forms R79W.
Identifiers: ClinVar variation 2534921 (VCV002534921.3), dbSNP rs756605168, ClinGen allele CA9718321.

ClinVar aggregate classification (germline): Uncertain significance. Review status: criteria provided, multiple submitters, no conflicts (2 of 4 stars). 2 submissions from 2 submitters: Uncertain significance (2). Last evaluated 2025-07-02.

Allele frequency attached by ClinVar (database versions not stated): gnomAD exomes 0.00002; ExAC 0.00004.

Submissions (2):

Labcorp Genetics (formerly Invitae), Labcorp
Classification: Uncertain significance. Last evaluated: 2025-07-02. Review status: criteria provided, single submitter. Criteria: Invitae Variant Classification Sherloc (09022015). Collection method: clinical testing. Allele origin: germline.
Comment: This sequence change replaces arginine, which is basic and polar, with tryptophan, which is neutral and slightly polar, at codon 79 of the SLC27A5 protein (p.Arg79Trp). This variant is present in population databases (rs756605168, gnomAD 0.06%). This variant has not been reported in the literature in individuals affected with SLC27A5-related conditions. ClinVar contains an entry for this variant (Variation ID: 2534921). An algorithm developed to predict the effect of missense changes on protein structure and function (PolyPhen-2) suggests that this variant is likely to be tolerated. In summary, the available evidence is currently insufficient to determine the role of this variant in disease. Therefore, it has been classified as a Variant of Uncertain Significance.

Ambry Genetics
Classification: Uncertain significance. Last evaluated: 2023-04-07. Review status: criteria provided, single submitter. Criteria: Ambry Variant Classification Scheme 2023. Collection method: clinical testing. Allele origin: germline.